The following is an entry in ClinVar:

NM_006147.4(IRF6):c.-218G>A

Gene: IRF6 (interferon regulatory factor 6; minus strand). Cytogenetic location: 1q32.2.
Variant type: single nucleotide variant.
Coding change: c.-218G>A on transcript NM_006147.4 (MANE Select); 218 bases upstream of the start codon, G replaced by A.
Molecular consequence: 5 prime UTR variant.
Genome position (GRCh38, 1-based): chr1:209,806,089, C>T on the plus strand (G>A on the coding strand, the complement: IRF6 is on the minus strand). VCF-style: chr1-209806089-C-T. GRCh37 (hg19) VCF-style: chr1-209979434-C-T.
Other names: c.-254G>A (NM_001206696.2).
Identifiers: ClinVar variation 3051511 (VCV003051511.3), dbSNP rs148070087, ClinGen allele CA36757825.
Genomic context (GRCh38, chr1:209,806,089, plus strand): 5'-CGACGTCTTAGCCAAGGGGCGCCTGGCTCTACCCAAGTAGGGACTGCAGGTTCCTCTCCC[C>T]GTCCCGCACCAGCCCTTACCTGCCCAGCCCAGGTGCGCCGAGCTCACGTCAGCGCCTCGC-3'

ClinVar aggregate classification (germline): Likely benign. Review status: criteria provided, single submitter (1 of 4 stars). 2 submissions from 2 submitters: Likely benign (1). 1 of the submissions does not count toward it. Last evaluated 2021-07-22.

Conditions:
IRF6-related condition. Also called: IRF6-Related Disorders; IRF6-related disorder. Identifiers: MedGen CN378148, MONDO:1040010.

Allele frequency attached by ClinVar (database versions not stated): TOPMed 0.00051; 1000 Genomes Project 0.00060; 1000 Genomes Project 30x 0.00062.
gnomAD v4.1: 53 of 152,520 alleles (0.035%); highest among the groups gnomAD compares: African/African-American, 0.12%; no homozygotes.

Submissions (2):

Blueprint Genetics
Classification: Likely benign. Last evaluated: 2021-07-22. Review status: criteria provided, single submitter. Criteria: ACMG Guidelines, 2015. Collection method: clinical testing. Allele origin: germline.

PreventionGenetics, part of Exact Sciences
Classification: Likely benign for IRF6-related condition. Last evaluated: 2021-09-22. Review status: no assertion criteria provided. Collection method: clinical testing. Allele origin: germline. Not counted in ClinVar's aggregate classification.
Comment: This variant is classified as likely benign based on ACMG/AMP sequence variant interpretation guidelines (Richards et al. 2015 PMID: 25741868, with internal and published modifications).